The following is an entry in ClinVar:

ClinVar aggregate classification (germline): Benign/Likely benign. Review status: criteria provided, multiple submitters, no conflicts (2 of 4 stars). 2 submissions from 2 submitters: Benign (1); Likely benign (1). Last evaluated 2026-08-25.

Conditions:
Hereditary cancer-predisposing syndrome. Also called: Hereditary Cancer Syndrome; Hereditary neoplastic syndrome; Neoplastic Syndromes, Hereditary; Tumor predisposition. Identifiers: Orphanet 140162, MedGen C0027672, MeSH D009386, MONDO:0015356.
Peutz-Jeghers syndrome (PJS). Also called: POLYPOSIS, HAMARTOMATOUS INTESTINAL; POLYPS-AND-SPOTS SYNDROME; Peutz-Jeghers polyposis; Periorificial lentiginosis syndrome. Identifiers: Orphanet 2869, MedGen C0031269, MeSH D010580, MONDO:0008280, OMIM 175200.

Submissions (2):

Ambry Genetics
Classification: Likely benign for Hereditary cancer-predisposing syndrome. Last evaluated: 2026-08-25. Review status: criteria provided, single submitter. Criteria: Ambry Variant Classification Scheme 2023. Collection method: clinical testing. Allele origin: germline.

Myriad Genetics, Inc.
Classification: Benign for Peutz-Jeghers syndrome. Last evaluated: 2025-03-27. Review status: criteria provided, single submitter. Criteria: Myriad Autosomal Dominant, Autosomal Recessive and X-Linked Classification Criteria (2023). Collection method: clinical testing. Allele origin: unknown.
Comment: This variant is considered benign. This variant is a silent/synonymous amino acid change and it is not expected to impact splicing.

NM_000455.5(STK11):c.747C>A (p.Thr249=)

Gene: STK11 (serine/threonine kinase 11; plus strand). Cytogenetic location: 19p13.3.
Variant type: single nucleotide variant.
Coding change: c.747C>A on transcript NM_000455.5 (MANE Select); coding-DNA position 747, C replaced by A.
Protein change: p.Thr249=; no amino-acid change (threonine 249 retained).
Molecular consequence: synonymous variant. On other transcripts: non-coding transcript variant (1).
Genome position (GRCh38, 1-based): chr19:1,221,225, C>A. VCF-style: chr19-1221225-C-A. GRCh37 (hg19) VCF-style: chr19-1221224-C-A.
Other names: c.747C>A, p.Thr249= (NM_001407255.1).
Identifiers: ClinVar variation 3904210 (VCV003904210.2).